The following is an entry in ClinVar:

NM_000066.4(C8B):c.1445C>T (p.Ser482Phe)

Gene: C8B (complement C8 beta chain; minus strand). Cytogenetic location: 1p32.2.
Variant type: single nucleotide variant.
Coding change: c.1445C>T on transcript NM_000066.4 (MANE Select); coding-DNA position 1445, C replaced by T.
Protein change: p.Ser482Phe; replaces serine 482 with phenylalanine.
Molecular consequence: missense variant.
Genome position (GRCh38, 1-based): chr1:56,933,442, G>A on the plus strand (C>T on the coding strand, the complement: C8B is on the minus strand). VCF-style: chr1-56933442-G-A. GRCh37 (hg19) VCF-style: chr1-57399115-G-A.
Other names: c.1289C>T, p.Ser430Phe (NM_001278543.2); c.1259C>T, p.Ser420Phe (NM_001278544.2); short protein forms S430F, S420F, S482F.
Identifiers: ClinVar variation 1443857 (VCV001443857.6), dbSNP rs776057562, ClinGen allele CA875628.

ClinVar aggregate classification (germline): Uncertain significance. Review status: criteria provided, multiple submitters, no conflicts (2 of 4 stars). 2 submissions from 2 submitters: Uncertain significance (2). Last evaluated 2026-01-30.

Allele frequency attached by ClinVar (database versions not stated): gnomAD 0.00003; TOPMed 0.00003; ExAC 0.00005; gnomAD exomes 0.00007.
gnomAD v4.1: 26 of 1,613,688 alleles (0.0016%); highest among the groups gnomAD compares: Middle Eastern, 0.033%; no homozygotes.

Submissions (2):

Women's Health and Genetics/Laboratory Corporation of America, LabCorp
Classification: Uncertain significance. Last evaluated: 2026-01-30. Review status: criteria provided, single submitter. Criteria: LabCorp Variant Classification Summary - May 2015. Collection method: clinical testing. Allele origin: germline.
Comment: Variant summary: C8B c.1445C>T (p.Ser482Phe) results in a non-conservative amino acid change in the encoded protein sequence. Algorithms developed to predict the effect of missense changes on protein structure and function are either unavailable or do not agree on the potential impact of this missense change. The variant allele was found at a frequency of 6.8e-05 in 251048 control chromosomes. This frequency is not significantly higher than estimated for disease-causing variants in C8B, allowing no conclusion about variant significance. To our knowledge, no occurrence of c.1445C>T in individuals affected with C8B-related conditions and no experimental evidence demonstrating its impact on protein function have been reported. ClinVar contains an entry for this variant (Variation ID: 1443857). Based on the evidence outlined above, the variant was classified as uncertain significance.

Labcorp Genetics (formerly Invitae), Labcorp
Classification: Uncertain significance. Last evaluated: 2022-03-16. Review status: criteria provided, single submitter. Criteria: Invitae Variant Classification Sherloc (09022015). Collection method: clinical testing. Allele origin: germline.
Comment: In summary, the available evidence is currently insufficient to determine the role of this variant in disease. Therefore, it has been classified as a Variant of Uncertain Significance. Algorithms developed to predict the effect of missense changes on protein structure and function are either unavailable or do not agree on the potential impact of this missense change (SIFT: "Deleterious"; PolyPhen-2: "Benign"; Align-GVGD: "Class C0"). This variant has not been reported in the literature in individuals affected with C8B-related conditions. This variant is present in population databases (rs776057562, gnomAD 0.07%). This sequence change replaces serine, which is neutral and polar, with phenylalanine, which is neutral and non-polar, at codon 482 of the C8B protein (p.Ser482Phe).